The following is an entry in ClinVar:

ClinVar aggregate classification (germline): Pathogenic (1 of 4 stars; one submission).

Submission:

GeneDx
Classification: Pathogenic. Last evaluated: 2024-04-01. Review status: criteria provided, single submitter. Criteria: GeneDx Variant Classification Process June 2021. Collection method: clinical testing. Allele origin: germline. Affected: yes.
Comment: Frameshift variant predicted to result in protein truncation or nonsense mediated decay in a gene for which loss of function is a known mechanism of disease; Not observed at significant frequency in large population cohorts (gnomAD); Has not been previously published as pathogenic or benign to our knowledge

NM_018136.5(ASPM):c.1268del (p.Pro423fs)

Gene: ASPM (assembly factor for spindle microtubules; minus strand). Cytogenetic location: 1q31.3.
Variant type: Deletion.
Coding change: c.1268del on transcript NM_018136.5 (MANE Select); coding-DNA position 1268, one base deleted (C; older notation c.1268delC).
Protein change: p.Pro423fs; shifts the reading frame from proline 423.
Molecular consequence: frameshift variant.
Genome position (GRCh38, 1-based): chr1:197,142,984, G deleted on the plus strand (C on the coding strand, the reverse complement: ASPM is on the minus strand); the first of 3 consecutive G bases (chr1:197,142,984-197,142,986); deleting any one gives the same sequence. VCF-style (leftmost placement, unchanged base first): chr1-197142983-TG-T. GRCh37 (hg19) VCF-style: chr1-197112113-TG-T.
Other names: c.1268del, p.Pro423fs (NM_001206846.2); short protein forms P423fs.
Identifiers: ClinVar variation 3371957 (VCV003371957.1).